The following is an entry in ClinVar:

NM_032242.4(PLXNA1):c.582G>A (p.Lys194=)

Gene: PLXNA1 (plexin A1; plus strand). Cytogenetic location: 3q21.3.
Variant type: single nucleotide variant.
Coding change: c.582G>A on transcript NM_032242.4 (MANE Select); coding-DNA position 582, G replaced by A.
Protein change: p.Lys194=; no amino-acid change (lysine 194 retained).
Molecular consequence: synonymous variant.
Genome position (GRCh38, 1-based): chr3:126,989,175, G>A. VCF-style: chr3-126989175-G-A. GRCh37 (hg19) VCF-style: chr3-126708018-G-A.
Identifiers: ClinVar variation 3029102 (VCV003029102.2), dbSNP rs371691614, ClinGen allele CA2593001.

ClinVar aggregate classification (germline): Likely benign (0 of 4 stars; one submission).

Conditions:
PLXNA1-related disorder. Also called: PLXNA1-related condition.

gnomAD v4.1: 17 of 1,613,430 alleles (0.0011%); highest among the groups gnomAD compares: African/African-American, 0.013%; no homozygotes.

Submission:

PreventionGenetics, part of Exact Sciences
Classification: Likely benign for PLXNA1-related condition. Last evaluated: 2022-02-14. Review status: no assertion criteria provided. Collection method: clinical testing. Allele origin: germline.
Comment: This variant is classified as likely benign based on ACMG/AMP sequence variant interpretation guidelines (Richards et al. 2015 PMID: 25741868, with internal and published modifications).